The following is an entry in ClinVar:

NM_020203.6(MEPE):c.1315C>G (p.Pro439Ala)

Genes: MEPE (matrix extracellular phosphoglycoprotein; plus strand), MEPE-AS1 (MEPE and IBSP antisense RNA 1; minus strand). Cytogenetic location: 4q22.1.
Variant type: single nucleotide variant.
Coding change: c.1315C>G on transcript NM_020203.6 (MANE Select); coding-DNA position 1315, C replaced by G.
Protein change: p.Pro439Ala; replaces proline 439 with alanine.
Molecular consequence: missense variant.
Genome position (GRCh38, 1-based): chr4:87,846,183, C>G. VCF-style: chr4-87846183-C-G. GRCh37 (hg19) VCF-style: chr4-88767335-C-G.
Other names: c.1315C>G, p.Pro439Ala (NM_001184694.3); c.976C>G, p.Pro326Ala (NM_001184695.4, NM_001184696.2, NM_001184697.2); c.1408C>G, p.Pro470Ala (NM_001291183.2); c.1408C>G (NM_001291183.1); short protein forms P470A, P326A, P439A.
Identifiers: ClinVar variation 2616002 (VCV002616002.3), dbSNP rs1260733630, ClinGen allele CA357619685.

ClinVar aggregate classification (germline): Uncertain significance. Review status: criteria provided, multiple submitters, no conflicts (2 of 4 stars). 2 submissions from 2 submitters: Uncertain significance (2). Last evaluated 2025-06-11.

Conditions:
MEPE-related disorder. Also called: MEPE-related condition.

Allele frequency attached by ClinVar (database versions not stated): gnomAD exomes below 0.00001; TOPMed below 0.00001.
gnomAD v4.1: 2 of 1,614,026 alleles (0.00012%); highest among the groups gnomAD compares: East Asian, 0.0045%; no homozygotes.

Submissions (2):

PreventionGenetics, part of Exact Sciences
Classification: Uncertain significance for MEPE-related condition. Last evaluated: 2025-06-11. Review status: criteria provided, single submitter. Criteria: ACMG Guidelines, 2015. Collection method: clinical testing. Allele origin: germline.
Comment: The MEPE c.1408C>G variant is predicted to result in the amino acid substitution p.Pro470Ala. To our knowledge, this variant has not been reported in the literature or in a large population database (gnomAD), indicating this variant is rare. At this time, the clinical significance of this variant is uncertain due to the absence of conclusive functional and genetic evidence.

Ambry Genetics
Classification: Uncertain significance. Last evaluated: 2023-08-04. Review status: criteria provided, single submitter. Criteria: Ambry Variant Classification Scheme 2023. Collection method: clinical testing. Allele origin: germline.